The following is an entry in ClinVar:

NM_001267550.2(TTN):c.68631A>C (p.Ile22877=)

Genes: TTN (titin; minus strand), TTN-AS1 (TTN antisense RNA 1; plus strand). Cytogenetic location: 2q31.2.
Variant type: single nucleotide variant.
Coding change: c.68631A>C on transcript NM_001267550.2 (MANE Select); coding-DNA position 68631, A replaced by C.
Protein change: p.Ile22877=; no amino-acid change (isoleucine 22877 retained).
Molecular consequence: synonymous variant.
Genome position (GRCh38, 1-based): chr2:178,577,795, T>G on the plus strand (A>C on the coding strand, the complement: TTN is on the minus strand). VCF-style: chr2-178577795-T-G. GRCh37 (hg19) VCF-style: chr2-179442522-T-G.
Other names: c.63708A>C, p.Ile21236= (NM_001256850.1); c.41436A>C, p.Ile13812= (NM_003319.4); c.60927A>C, p.Ile20309= (NM_133378.4); c.41811A>C, p.Ile13937= (NM_133432.3); c.42012A>C, p.Ile14004= (NM_133437.4).
Identifiers: ClinVar variation 1644667 (VCV001644667.32), dbSNP rs776873491, ClinGen allele CA1991063.
Genomic context (GRCh38, chr2:178,577,795, plus strand): 5'-TGGGACATTAACATGGTTGGCTTTCATCCAAGACTTCGAAGGTAGATCTCGCTTCTCCAC[T>G]ATATATCCAGTTAACTTATGACCACCGTCATATTTAGGTTCAGTCCAAATGAGAGTCACT-3'
Protein context (NP_001254479.2, residues 22867-22887): YDGGHKLTGY[Ile22877=]VEKRDLPSKS

ClinVar aggregate classification (germline): Likely benign. Review status: criteria provided, multiple submitters, no conflicts (2 of 4 stars). 2 submissions from 2 submitters: Likely benign (2). Last evaluated 2023-07-03.

Conditions:
Dilated cardiomyopathy 1G (CMD1G). Identifiers: Orphanet 154, MedGen C1858763, MONDO:0011400, OMIM 604145.
Autosomal recessive limb-girdle muscular dystrophy type 2J (LGMDR10). Also called: Limb-girdle muscular dystrophy, type 2J; MUSCULAR DYSTROPHY, LIMB-GIRDLE, AUTOSOMAL RECESSIVE 10. Identifiers: Orphanet 140922, MedGen C1837342, MONDO:0012127, OMIM 608807.

Allele frequency attached by ClinVar (database versions not stated): ExAC 0.00001.

Submissions (2):

Labcorp Genetics (formerly Invitae), Labcorp
Classification: Likely benign for Dilated cardiomyopathy 1G; Autosomal recessive limb-girdle muscular dystrophy type 2J. Last evaluated: 2023-07-03. Review status: criteria provided, single submitter. Criteria: Invitae Variant Classification Sherloc (09022015). Collection method: clinical testing. Allele origin: germline.

CeGaT Center for Human Genetics Tuebingen
Classification: Likely benign. Last evaluated: 2022-10-01. Review status: criteria provided, single submitter. Criteria: CeGaT Center For Human Genetics Tuebingen Variant Classification Criteria Version 2. Collection method: clinical testing. Allele origin: germline. Affected: yes. Observed: 1 variant allele.
Comment: TTN: BP4